The following is an entry in ClinVar:

NM_000142.5(FGFR3):c.40G>A (p.Val14Met)

Gene: FGFR3 (fibroblast growth factor receptor 3; plus strand). Cytogenetic location: 4p16.3.
Variant type: single nucleotide variant.
Coding change: c.40G>A on transcript NM_000142.5 (MANE Select); coding-DNA position 40, G replaced by A.
Protein change: p.Val14Met; replaces valine 14 with methionine.
Molecular consequence: missense variant. On other transcripts: non-coding transcript variant (1).
Genome position (GRCh38, 1-based): chr4:1,793,974, G>A. VCF-style: chr4-1793974-G-A. GRCh37 (hg19) VCF-style: chr4-1795701-G-A.
Other names: c.40G>A, p.Val14Met (NM_001163213.2, NM_001354809.2, NM_001354810.2 and 1 more transcripts); short protein forms V14M.
Identifiers: ClinVar variation 2118965 (VCV002118965.4), dbSNP rs1048857045, ClinGen allele CA91266059.
Genomic context (GRCh38, chr4:1,793,974, plus strand): 5'-GCCGCGGCCCCCGCCCCCGCCATGGGCGCCCCTGCCTGCGCCCTCGCGCTCTGCGTGGCC[G>A]TGGCCATCGTGGCCGGCGCCTCCTCGGAGTCCTTGGGGACGGAGCAGCGCGTCGTGGGGC-3'
Protein context (NP_000133.1, residues 4-24): PACALALCVA[Val14Met]AIVAGASSES

ClinVar aggregate classification (germline): Uncertain significance (1 of 4 stars; one submission).

Allele frequency attached by ClinVar (database versions not stated): gnomAD 0.00002; TOPMed 0.00002.

Submission:

Labcorp Genetics (formerly Invitae), Labcorp
Classification: Uncertain significance. Last evaluated: 2024-05-21. Review status: criteria provided, single submitter. Criteria: Invitae Variant Classification Sherloc (09022015). Collection method: clinical testing. Allele origin: germline.
Comment: This sequence change replaces valine, which is neutral and non-polar, with methionine, which is neutral and non-polar, at codon 14 of the FGFR3 protein (p.Val14Met). The frequency data for this variant in the population databases is considered unreliable, as metrics indicate poor data quality at this position in the gnomAD database. This variant has not been reported in the literature in individuals affected with FGFR3-related conditions. ClinVar contains an entry for this variant (Variation ID: 2118965). Advanced modeling of protein sequence and biophysical properties (such as structural, functional, and spatial information, amino acid conservation, physicochemical variation, residue mobility, and thermodynamic stability) performed at Invitae indicates that this missense variant is not expected to disrupt FGFR3 protein function with a negative predictive value of 95%. In summary, the available evidence is currently insufficient to determine the role of this variant in disease. Therefore, it has been classified as a Variant of Uncertain Significance.